The following is an entry in ClinVar:

ClinVar aggregate classification (germline): Likely pathogenic (1 of 4 stars; one submission).

Conditions:
LRP5-related disorder. Also called: LRP5-related condition.

Submission:

PreventionGenetics, part of Exact Sciences
Classification: Likely pathogenic for LRP5-related condition. Last evaluated: 2025-03-18. Review status: criteria provided, single submitter. Criteria: ACMG Guidelines, 2015. Collection method: clinical testing. Allele origin: germline.
Comment: The LRP5 c.4584C>G variant is predicted to result in premature protein termination (p.Tyr1528*). To our knowledge, this variant has not been reported in the literature. This variant is absent in a large population database (gnomAD), indicating this variant is rare. Nonsense variants in LRP5 are an established mechanism of disease. This variant is interpreted as likely pathogenic.

NM_002335.4(LRP5):c.4584C>G (p.Tyr1528Ter)

Gene: LRP5 (LDL receptor related protein 5; plus strand). Cytogenetic location: 11q13.2.
Variant type: single nucleotide variant.
Coding change: c.4584C>G on transcript NM_002335.4 (MANE Select); coding-DNA position 4584, C replaced by G.
Protein change: p.Tyr1528Ter; replaces tyrosine 1528 with a stop codon.
Molecular consequence: nonsense.
Genome position (GRCh38, 1-based): chr11:68,446,531, C>G. VCF-style: chr11-68446531-C-G. GRCh37 (hg19) VCF-style: chr11-68213999-C-G.
Other names: c.2841C>G, p.Tyr947Ter (NM_001291902.2); short protein forms Y1528*, Y947*.
Identifiers: ClinVar variation 5000461 (VCV005000461.1).